The following is an entry in ClinVar:

NM_000069.3(CACNA1S):c.4621G>A (p.Glu1541Lys)

Gene: CACNA1S (calcium voltage-gated channel subunit alpha1 S; minus strand). Cytogenetic location: 1q32.1.
Variant type: single nucleotide variant.
Coding change: c.4621G>A on transcript NM_000069.3 (MANE Select); coding-DNA position 4621, G replaced by A.
Protein change: p.Glu1541Lys; replaces glutamic acid 1541 with lysine.
Molecular consequence: missense variant.
Genome position (GRCh38, 1-based): chr1:201,047,162, C>T on the plus strand (G>A on the coding strand, the complement: CACNA1S is on the minus strand). VCF-style: chr1-201047162-C-T. GRCh37 (hg19) VCF-style: chr1-201016290-C-T.
Other names: short protein forms E1541K.
Identifiers: ClinVar variation 3763912 (VCV003763912.2).
Genomic context (GRCh38, chr1:201,047,162, plus strand): 5'-GGATTGGGCTTACCTGGATCTGTACAATGTCCTTCTTGGGCCGATAGCCATAATACTCCT[C>T]TTGGCGTTTCATGAACTTCCGGAAGTGCTCCTGGATGAGGAATGTGGCGTAGAACTTCCC-3'
Protein context (NP_000060.2, residues 1531-1551): EHFRKFMKRQ[Glu1541Lys]EYYGYRPKKD

ClinVar aggregate classification (germline): Uncertain significance (1 of 4 stars; one submission).

Conditions:
Hypokalemic periodic paralysis, type 1. Also called: Hypokalemic Periodic Paralysis Type 1 (AD); HypoPP. Identifiers: Orphanet 681, MedGen C3714580, MONDO:0042979, OMIM 170400.
Malignant hyperthermia, susceptibility to, 5 (MHS5). Also called: CACNA1S-Related Malignant Hyperthermia Susceptibility. Identifiers: Orphanet 423, MedGen C1866077, MONDO:0011163, OMIM 601887.

Submission:

Labcorp Genetics (formerly Invitae), Labcorp
Classification: Uncertain significance for Hypokalemic periodic paralysis, type 1; Malignant hyperthermia, susceptibility to, 5. Last evaluated: 2024-11-12. Review status: criteria provided, single submitter. Criteria: Invitae Variant Classification Sherloc (09022015). Collection method: clinical testing. Allele origin: germline.
Comment: This sequence change replaces glutamic acid, which is acidic and polar, with lysine, which is basic and polar, at codon 1541 of the CACNA1S protein (p.Glu1541Lys). This variant is not present in population databases (gnomAD no frequency). This variant has not been reported in the literature in individuals affected with CACNA1S-related conditions. Invitae Evidence Modeling of protein sequence and biophysical properties (such as structural, functional, and spatial information, amino acid conservation, physicochemical variation, residue mobility, and thermodynamic stability) indicates that this missense variant is not expected to disrupt CACNA1S protein function with a negative predictive value of 95%. In summary, the available evidence is currently insufficient to determine the role of this variant in disease. Therefore, it has been classified as a Variant of Uncertain Significance.